The following is an entry in ClinVar:

ClinVar aggregate classification (germline): Uncertain significance (1 of 4 stars; one submission).

Conditions:
Wilms tumor 1 (WT1). Also called: Wilms tumor, somatic. Identifiers: Orphanet 654, MedGen CN033288, MONDO:0008679, OMIM 194070.

Submission:

Labcorp Genetics (formerly Invitae), Labcorp
Classification: Uncertain significance for Wilms tumor 1. Last evaluated: 2024-03-04. Review status: criteria provided, single submitter. Criteria: Invitae Variant Classification Sherloc (09022015). Collection method: clinical testing. Allele origin: germline.
Comment: This sequence change replaces glutamine, which is neutral and polar, with glutamic acid, which is acidic and polar, at codon 231 of the GPC3 protein (p.Gln231Glu). This variant is not present in population databases (gnomAD no frequency). This variant has not been reported in the literature in individuals affected with GPC3-related conditions. Advanced modeling of protein sequence and biophysical properties (such as structural, functional, and spatial information, amino acid conservation, physicochemical variation, residue mobility, and thermodynamic stability) performed at Invitae indicates that this missense variant is expected to disrupt GPC3 protein function with a positive predictive value of 80%. In summary, the available evidence is currently insufficient to determine the role of this variant in disease. Therefore, it has been classified as a Variant of Uncertain Significance.

NM_004484.4(GPC3):c.691C>G (p.Gln231Glu)

Gene: GPC3 (glypican 3; minus strand). Cytogenetic location: Xq26.2.
Variant type: single nucleotide variant.
Coding change: c.691C>G on transcript NM_004484.4 (MANE Select); coding-DNA position 691, C replaced by G.
Protein change: p.Gln231Glu; replaces glutamine 231 with glutamic acid.
Molecular consequence: missense variant.
Genome position (GRCh38, 1-based): chrX:133,753,823, G>C on the plus strand (C>G on the coding strand, the complement: GPC3 is on the minus strand). VCF-style: chrX-133753823-G-C. GRCh37 (hg19) VCF-style: chrX-132887850-G-C.
Other names: c.691C>G, p.Gln231Glu (NM_001164617.2); c.643C>G, p.Gln215Glu (NM_001164618.2); c.529C>G, p.Gln177Glu (NM_001164619.2); short protein forms Q215E, Q177E, Q231E.
Identifiers: ClinVar variation 2709355 (VCV002709355.3), dbSNP rs2521355855, ClinGen allele CA414706072.